The following is an entry in ClinVar:

NM_001267550.2(TTN):c.41608G>A (p.Glu13870Lys)

Gene: TTN (titin; minus strand). Cytogenetic location: 2q31.2.
Variant type: single nucleotide variant.
Coding change: c.41608G>A on transcript NM_001267550.2 (MANE Select); coding-DNA position 41608, G replaced by A.
Protein change: p.Glu13870Lys; replaces glutamic acid 13870 with lysine.
Molecular consequence: missense variant.
Genome position (GRCh38, 1-based): chr2:178,635,963, C>T on the plus strand (G>A on the coding strand, the complement: TTN is on the minus strand). VCF-style: chr2-178635963-C-T. GRCh37 (hg19) VCF-style: chr2-179500690-C-T.
Other names: c.36685G>A, p.Glu12229Lys (NM_001256850.1); c.14413G>A, p.Glu4805Lys (NM_003319.4); c.33904G>A, p.Glu11302Lys (NM_133378.4); c.14788G>A, p.Glu4930Lys (NM_133432.3); c.14989G>A, p.Glu4997Lys (NM_133437.4); short protein forms E11302K, E12229K, E13870K, E4805K, E4930K, E4997K.
Identifiers: ClinVar variation 3763192 (VCV003763192.2).
Genomic context (GRCh38, chr2:178,635,963, plus strand): 5'-TTTCTTCCATTTTCTTAGTGTAACAATAAGCAGAACGAAATCTCCCAGGAAAGTACTAAC[C>T]TACTACTTTTACGCAAGATGAACACTCCAGGTTGTTGGCGTTTTCCACAGTAACTGTGTA-3'
Protein context (NP_001254479.2, residues 13860-13880): LECSSCVKVV[Glu13870Lys]VIRDWLVKPI

ClinVar aggregate classification (germline): Uncertain significance (1 of 4 stars; one submission).

Conditions:
Autosomal recessive limb-girdle muscular dystrophy type 2J (LGMDR10). Also called: Limb-girdle muscular dystrophy, type 2J; MUSCULAR DYSTROPHY, LIMB-GIRDLE, AUTOSOMAL RECESSIVE 10. Identifiers: Orphanet 140922, MedGen C1837342, MONDO:0012127, OMIM 608807.
Dilated cardiomyopathy 1G (CMD1G). Identifiers: Orphanet 154, MedGen C1858763, MONDO:0011400, OMIM 604145.

gnomAD v4.1: 1 of 1,589,518 alleles (0.000063%); highest among the groups gnomAD compares: Non-Finnish European, 0.000086%; no homozygotes.

Submission:

Labcorp Genetics (formerly Invitae), Labcorp
Classification: Uncertain significance for Dilated cardiomyopathy 1G; Autosomal recessive limb-girdle muscular dystrophy type 2J. Last evaluated: 2024-07-15. Review status: criteria provided, single submitter. Criteria: Invitae Variant Classification Sherloc (09022015). Collection method: clinical testing. Allele origin: germline.
Comment: This sequence change replaces glutamic acid, which is acidic and polar, with lysine, which is basic and polar, at codon 13870 of the TTN protein (p.Glu13870Lys). This variant also falls at the last nucleotide of exon 226, which is part of the consensus splice site for this exon. This variant is not present in population databases (gnomAD no frequency). This variant has not been reported in the literature in individuals affected with TTN-related conditions. Experimental studies and prediction algorithms are not available or were not evaluated, and the functional significance of this variant is currently unknown. Variants that disrupt the consensus splice site are a relatively common cause of aberrant splicing (PMID: 17576681, 9536098). Algorithms developed to predict the effect of sequence changes on RNA splicing suggest that this variant may disrupt the consensus splice site. This variant is located in the I band of TTN (PMID: 25589632). Non-truncating variants in this region may be clinically relevant, but have not been definitively shown to cause cardiomyopathy or neuromuscular disease (PMID: 27493940, 32778822). In summary, the available evidence is currently insufficient to determine the role of this variant in disease. Therefore, it has been classified as a Variant of Uncertain Significance.

Literature cited by the submitters: PubMed 17576681; PubMed 9536098; PubMed 25589632; PubMed 27493940; PubMed 32778822.